The following is an entry in ClinVar:

ClinVar aggregate classification (germline): Uncertain significance (1 of 4 stars; one submission).

Conditions:
Inborn genetic diseases. Identifiers: MedGen C0950123, MeSH D030342.

Submission:

Ambry Genetics
Classification: Uncertain significance for Inborn genetic diseases. Last evaluated: 2025-12-22. Review status: criteria provided, single submitter. Criteria: Ambry Variant Classification Scheme 2023. Collection method: clinical testing. Allele origin: germline.
Comment: The c.757G>A (p.V253M) alteration is located in exon 8 (coding exon 8) of the U2AF2 gene. This alteration results from a G to A substitution at nucleotide position 757, causing the valine (V) at amino acid position 253 to be replaced by a methionine (M). This variant was not reported in population-based cohorts in the Genome Aggregation Database (gnomAD). This amino acid position is highly conserved in available vertebrate species. This missense alteration is located in a region that has a low rate of benign missense variation (Lek, 2016; Firth, 2009). The in silico prediction for this alteration is inconclusive. Based on insufficient or conflicting evidence, the clinical significance of this alteration remains unclear.

NM_007279.3(U2AF2):c.757G>A (p.Val253Met)

Gene: U2AF2 (U2 small nuclear RNA auxiliary factor 2; plus strand). Cytogenetic location: 19q13.42.
Variant type: single nucleotide variant.
Coding change: c.757G>A on transcript NM_007279.3 (MANE Select); coding-DNA position 757, G replaced by A.
Protein change: p.Val253Met; replaces valine 253 with methionine.
Molecular consequence: missense variant.
Genome position (GRCh38, 1-based): chr19:55,668,521, G>A. VCF-style: chr19-55668521-G-A. GRCh37 (hg19) VCF-style: chr19-56179887-G-A.
Other names: c.757G>A, p.Val253Met (NM_001012478.2); short protein forms V253M.
Identifiers: ClinVar variation 4834977 (VCV004834977.1).